The following is an entry in ClinVar:

NM_002972.4(SBF1):c.2967+10G>A

Gene: SBF1 (SET binding factor 1; minus strand). Cytogenetic location: 22q13.33.
Variant type: single nucleotide variant.
Coding change: c.2967+10G>A on transcript NM_002972.4 (MANE Select); 10 bases into the intron after coding-DNA position 2967, G replaced by A.
Molecular consequence: intron variant.
Genome position (GRCh38, 1-based): chr22:50,461,149, C>T on the plus strand (G>A on the coding strand, the complement: SBF1 is on the minus strand). VCF-style: chr22-50461149-C-T. GRCh37 (hg19) VCF-style: chr22-50899578-C-T.
Other names: c.2970+10G>A (NM_001365819.1); c.2967+10G>A (NM_002972.3).
Identifiers: ClinVar variation 2203309 (VCV002203309.7), dbSNP rs535052438, ClinGen allele CA10316963.

ClinVar aggregate classification (germline): Likely benign. Review status: criteria provided, multiple submitters, no conflicts (2 of 4 stars). 3 submissions from 3 submitters: Likely benign (2). 1 of the submissions does not count toward it. Last evaluated 2024-10-22.

Conditions:
SBF1-related disorder. Also called: SBF1-related condition.

Allele frequency attached by ClinVar (database versions not stated): ExAC 0.00021.
gnomAD v4.1: 167 of 1,587,370 alleles (0.011%); highest among the groups gnomAD compares: South Asian, 0.071%; 1 homozygote.

Submissions (3):

Labcorp Genetics (formerly Invitae), Labcorp
Classification: Likely benign. Last evaluated: 2024-10-22. Review status: criteria provided, single submitter. Criteria: Invitae Variant Classification Sherloc (09022015). Collection method: clinical testing. Allele origin: germline.

Blueprint Genetics
Classification: Likely benign. Last evaluated: 2024-05-24. Review status: criteria provided, single submitter. Criteria: ACMG Guidelines, 2015. Collection method: clinical testing. Allele origin: germline.

PreventionGenetics, part of Exact Sciences
Classification: Likely benign for SBF1-related condition. Last evaluated: 2019-03-13. Review status: no assertion criteria provided. Collection method: clinical testing. Allele origin: germline. Not counted in ClinVar's aggregate classification.
Comment: This variant is classified as likely benign based on ACMG/AMP sequence variant interpretation guidelines (Richards et al. 2015 PMID: 25741868, with internal and published modifications).